The following is an entry in ClinVar:

NM_000154.2(GALK1):c.-22T>C

Gene: GALK1 (galactokinase 1; minus strand). Cytogenetic location: 17q25.1.
Variant type: single nucleotide variant.
Coding change: c.-22T>C on transcript NM_000154.2 (MANE Select); 22 bases upstream of the start codon, T replaced by C.
Molecular consequence: 5 prime UTR variant.
Genome position (GRCh38, 1-based): chr17:75,765,158, A>G on the plus strand (T>C on the coding strand, the complement: GALK1 is on the minus strand). VCF-style: chr17-75765158-A-G. GRCh37 (hg19) VCF-style: chr17-73761239-A-G.
Identifiers: ClinVar variation 803467 (VCV000803467.21), dbSNP rs545362817, ClinGen allele CA8771158.

ClinVar aggregate classification (germline): Conflicting classifications of pathogenicity. Review status: criteria provided, conflicting classifications (1 of 4 stars). 6 submissions from 6 submitters: Uncertain significance (1); Benign (2); Likely benign (1). 2 of the submissions do not count toward it. Last evaluated 2023-09-08.

Conditions:
Deficiency of galactokinase. Also called: Galactokinase deficiency with cataracts; GALACTOSEMIA II. Identifiers: Orphanet 352, Orphanet 79237, MedGen C0268155, MONDO:0009255, OMIM 230200.
GALK1-related disorder. Also called: GALK1-related condition.

Allele frequency attached by ClinVar (database versions not stated): gnomAD exomes 0.00010 and 0.00049; gnomAD 0.00026 and 0.00031; TOPMed 0.00029; ExAC 0.00030; 1000 Genomes Project 30x 0.00109; 1000 Genomes Project 0.00120.
gnomAD v4.1: 198 of 1,507,392 alleles (0.013%); highest among the groups gnomAD compares: East Asian, 0.35%; no homozygotes.

Submissions (6):

Labcorp Genetics (formerly Invitae), Labcorp
Classification: Benign for Deficiency of galactokinase. Last evaluated: 2023-09-08. Review status: criteria provided, single submitter. Criteria: Invitae Variant Classification Sherloc (09022015). Collection method: clinical testing. Allele origin: germline.

GeneDx
Classification: Likely benign. Last evaluated: 2021-02-19. Review status: criteria provided, single submitter. Criteria: GeneDx Variant Classification Process June 2021. Collection method: clinical testing. Allele origin: germline. Affected: yes.
Comment: See Variant Classification Assertion Criteria.

Mendelics
Classification: Benign for Deficiency of galactokinase. Last evaluated: 2019-05-28. Review status: criteria provided, single submitter. Criteria: Mendelics Assertion Criteria 2017. Collection method: clinical testing. Allele origin: unknown.

Illumina Laboratory Services, Illumina
Classification: Uncertain significance for Deficiency of galactokinase. Last evaluated: 2017-04-27. Review status: criteria provided, single submitter. Criteria: ICSL Variant Classification Criteria 13 December 2019. Collection method: clinical testing. Allele origin: germline.
Comment: This variant was observed as part of a predisposition screen in an ostensibly healthy population. A literature search was performed for the gene, cDNA change, and amino acid change (where applicable). Publications were found based on this search. However, the evidence from the literature, in combination with allele frequency data from public databases where available, was not sufficient to rule this variant in or out of causing disease. Therefore, this variant is classified as a variant of unknown significance.

Natera, Inc.
Classification: Likely benign for Deficiency of galactokinase. Last evaluated: 2020-01-17. Review status: no assertion criteria provided. Collection method: clinical testing. Allele origin: germline. Not counted in ClinVar's aggregate classification.

PreventionGenetics, part of Exact Sciences
Classification: Likely benign for GALK1-related condition. Last evaluated: 2019-06-17. Review status: no assertion criteria provided. Collection method: clinical testing. Allele origin: germline. Not counted in ClinVar's aggregate classification.
Comment: This variant is classified as likely benign based on ACMG/AMP sequence variant interpretation guidelines (Richards et al. 2015 PMID: 25741868, with internal and published modifications).

Literature cited by the submitters: PubMed 19309526 (cited by Illumina Laboratory Services, Illumina).